The following is an entry in ClinVar:

NM_000051.4(ATM):c.5048_5052del (p.Phe1683fs)

Gene: ATM (ATM serine/threonine kinase; plus strand). Cytogenetic location: 11q22.3.
Variant type: Deletion.
Coding change: c.5048_5052del on transcript NM_000051.4 (MANE Select); coding-DNA positions 5048 to 5052, 5 bases deleted (TCTCT; older notation c.5048_5052delTCTCT).
Protein change: p.Phe1683fs; shifts the reading frame from phenylalanine 1683.
Molecular consequence: frameshift variant.
Genome position (GRCh38, 1-based): chr11:108,299,756-108,299,760, TCTCT deleted; deleting any 5 consecutive bases within chr11:108,299,755-108,299,760 gives the same sequence; the c. name uses the placement nearest the transcript's 3' end. VCF-style (leftmost placement, unchanged base first): chr11-108299754-TTTCTC-T. GRCh37 (hg19) VCF-style: chr11-108170481-TTTCTC-T.
Other names: c.5048_5052del, p.Phe1683fs (NM_001351834.2); short protein forms F1683fs.
Identifiers: ClinVar variation 1446958 (VCV001446958.6), dbSNP rs2135889257, ClinGen allele CA645569723.

ClinVar aggregate classification (germline): Pathogenic (1 of 4 stars; one submission).

Conditions:
Ataxia-telangiectasia syndrome (AT). Also called: Ataxia-telangiectasia; LOUIS-BAR SYNDROME; AT, COMPLEMENTATION GROUP C; Ataxia-telangiectasia, complementation group E; Ataxia telangiectasia (A-T); Cerebello-oculocutaneous telangiectasia. Identifiers: Orphanet 100, MedGen C0004135, MONDO:0008840, OMIM 208900.

Submission:

Labcorp Genetics (formerly Invitae), Labcorp
Classification: Pathogenic for Ataxia-telangiectasia syndrome. Last evaluated: 2021-11-12. Review status: criteria provided, single submitter. Criteria: Invitae Variant Classification Sherloc (09022015). Collection method: clinical testing. Allele origin: germline.
Comment: For these reasons, this variant has been classified as Pathogenic. This variant has not been reported in the literature in individuals affected with ATM-related conditions. This variant is not present in population databases (gnomAD no frequency). This sequence change creates a premature translational stop signal (p.Phe1683Tyrfs*7) in the ATM gene. It is expected to result in an absent or disrupted protein product. Loss-of-function variants in ATM are known to be pathogenic (PMID: 23807571, 25614872).

Literature cited by the submitters: PubMed 23807571; PubMed 25614872.